The following is an entry in ClinVar:

NM_006939.4(SOS2):c.3616C>A (p.Pro1206Thr)

Gene: SOS2 (SOS Ras/Rho guanine nucleotide exchange factor 2; minus strand). Cytogenetic location: 14q21.3.
Variant type: single nucleotide variant.
Coding change: c.3616C>A on transcript NM_006939.4 (MANE Select); coding-DNA position 3616, C replaced by A.
Protein change: p.Pro1206Thr; replaces proline 1206 with threonine.
Molecular consequence: missense variant.
Genome position (GRCh38, 1-based): chr14:50,118,727, G>T on the plus strand (C>A on the coding strand, the complement: SOS2 is on the minus strand). VCF-style: chr14-50118727-G-T. GRCh37 (hg19) VCF-style: chr14-50585445-G-T.
Other names: c.3517C>A, p.Pro1173Thr (NM_001411020.1); short protein forms P1206T, P1173T.
Identifiers: ClinVar variation 3321563 (VCV003321563.1).

ClinVar aggregate classification (germline): Uncertain significance (1 of 4 stars; one submission).

Conditions:
Cardiovascular phenotype. Identifiers: MedGen CN230736.

Submission:

Ambry Genetics
Classification: Uncertain significance for Cardiovascular phenotype. Last evaluated: 2024-06-09. Review status: criteria provided, single submitter. Criteria: Ambry Variant Classification Scheme 2023. Collection method: clinical testing. Allele origin: germline.
Comment: The p.P1206T variant (also known as c.3616C>A), located in coding exon 23 of the SOS2 gene, results from a C to A substitution at nucleotide position 3616. The proline at codon 1206 is replaced by threonine, an amino acid with highly similar properties. This amino acid position is conserved. In addition, the in silico prediction for this alteration is inconclusive. Based on the available evidence, the clinical significance of this variant remains unclear.